The following is an entry in ClinVar:

ClinVar aggregate classification (germline): Likely pathogenic (1 of 4 stars; one submission).

Submission:

Labcorp Genetics (formerly Invitae), Labcorp
Classification: Likely pathogenic. Last evaluated: 2021-10-18. Review status: criteria provided, single submitter. Criteria: Invitae Variant Classification Sherloc (09022015). Collection method: clinical testing. Allele origin: germline.
Comment: In summary, the currently available evidence indicates that the variant is pathogenic, but additional data are needed to prove that conclusively. Therefore, this variant has been classified as Likely Pathogenic. Algorithms developed to predict the effect of sequence changes on RNA splicing suggest that this variant may disrupt the consensus splice site. This variant has not been reported in the literature in individuals affected with COL4A4-related conditions. This variant is not present in population databases (ExAC no frequency). This sequence change affects an acceptor splice site in intron 21 of the COL4A4 gene. It is expected to disrupt RNA splicing. Variants that disrupt the donor or acceptor splice site typically lead to a loss of protein function (PMID: 16199547), and loss-of-function variants in COL4A4 are known to be pathogenic (PMID: 21196518, 24854265, 25307543).

Literature cited by the submitters: PubMed 16199547; PubMed 21196518; PubMed 24854265; PubMed 25307543.

NM_000092.5(COL4A4):c.1460-1G>C

Gene: COL4A4 (collagen type IV alpha 4 chain; minus strand). Cytogenetic location: 2q36.3.
Variant type: single nucleotide variant.
Coding change: c.1460-1G>C on transcript NM_000092.5 (MANE Select); the canonical splice acceptor site of the intron before coding-DNA position 1460, G replaced by C.
Molecular consequence: splice acceptor variant.
Genome position (GRCh38, 1-based): chr2:227,088,817, C>G on the plus strand (G>C on the coding strand, the complement: COL4A4 is on the minus strand). VCF-style: chr2-227088817-C-G. GRCh37 (hg19) VCF-style: chr2-227953533-C-G.
Identifiers: ClinVar variation 1509498 (VCV001509498.6), dbSNP rs2150597099, ClinGen allele CA350850112.